The following is an entry in ClinVar:

NM_001009944.3(PKD1):c.6115C>T (p.Gln2039Ter)

Gene: PKD1 (polycystin 1, transient receptor potential channel interacting; minus strand). Cytogenetic location: 16p13.3.
Variant type: single nucleotide variant.
Coding change: c.6115C>T on transcript NM_001009944.3 (MANE Select); coding-DNA position 6115, C replaced by T.
Protein change: p.Gln2039Ter; replaces glutamine 2039 with a stop codon.
Molecular consequence: nonsense.
Genome position (GRCh38, 1-based): chr16:2,109,052, G>A on the plus strand (C>T on the coding strand, the complement: PKD1 is on the minus strand). VCF-style: chr16-2109052-G-A. GRCh37 (hg19) VCF-style: chr16-2159053-G-A.
Other names: c.6115C>T (NM_000296.3); c.6115C>T, p.Gln2039Ter (NM_000296.4); short protein forms Q2039*.
Identifiers: ClinVar variation 1678608 (VCV001678608.10), dbSNP rs755747732, ClinGen allele CA394374336.
Genomic context (GRCh38, chr16:2,109,052, plus strand): 5'-CCTGAACCTCCAGCACCAGCGTGCGGTTCTCACTGCCCAGGGCGTTGAAGGCGCGCACCT[G>A]GATCTCCAACAGCCCCGCGGCCACGGGCGTGTAGGTGACGTCGCGGCCCGACAGGATGAC-3'

ClinVar aggregate classification (germline): Pathogenic. Review status: criteria provided, multiple submitters, no conflicts (2 of 4 stars). 7 submissions from 7 submitters: Pathogenic (7). Last evaluated 2025-07-28.

Conditions:
PKD1-related disorder. Also called: PKD1-related condition.
Polycystic kidney disease, adult type (PKD1). Also called: Polycystic Kidney Disease 1, Autosomal Dominant; Polycystic kidney disease 1; Polycystic kidney disease 1, severe; Polycystic Kidney, Autosomal Dominant; POLYCYSTIC KIDNEY DISEASE 1 WITH OR WITHOUT POLYCYSTIC LIVER DISEASE; POLYCYSTIC KIDNEY DISEASE, ADULT, TYPE I. Identifiers: MedGen C3149841, MONDO:0008263, OMIM 173900.
Inborn genetic diseases. Identifiers: MedGen C0950123, MeSH D030342.

Submissions (7):

3billion
Classification: Pathogenic for Polycystic kidney disease, adult type. Last evaluated: 2025-07-28. Review status: criteria provided, single submitter. Criteria: ACMG Guidelines, 2015. Collection method: clinical testing. Allele origin: germline. Affected: yes.
Comment: The variant is not observed in the gnomAD v4.1.0 dataset. Predicted Consequence/Location: Stop-gained (nonsense): predicted to result in a loss or disruption of normal protein function through nonsense-mediated decay (NMD) or protein truncation. Multiple pathogenic variants are reported downstream of the variant. The variant has been reported at least twice as pathogenic with clinical assertions and evidence for the classification (ClinVar ID: VCV001678608 /PMID: 11012875). Therefore, this variant is classified as Pathogenic according to the recommendation of ACMG/AMP guideline.

GeneDx
Classification: Pathogenic. Last evaluated: 2024-05-06. Review status: criteria provided, single submitter. Criteria: GeneDx Variant Classification Process June 2021. Collection method: clinical testing. Allele origin: germline. Affected: yes.
Comment: Nonsense variant predicted to result in protein truncation or nonsense mediated decay in a gene for which loss of function is a known mechanism of disease; Not observed at significant frequency in large population cohorts (gnomAD); This variant is associated with the following publications: (PMID: 25525159, 26453610, 11012875, 30333007, 36938073, 22508176, 31740684)

Blueprint Genetics
Classification: Pathogenic for PKD1-related disorders. Last evaluated: 2023-06-16. Review status: criteria provided, single submitter. Criteria: ACMG Guidelines, 2015. Collection method: clinical testing. Allele origin: germline. Affected: yes. Observed: 2 variant alleles.

Molecular Genetics, Royal Melbourne Hospital
Classification: Pathogenic for Polycystic kidney disease, adult type. Last evaluated: 2023-03-30. Review status: criteria provided, single submitter. Criteria: ACMG Guidelines, 2015. Collection method: clinical testing. Allele origin: germline. Affected: yes.
Comment: This sequence change creates a premature termination codon at position 2039 in exon 15 (of 46) of PKD1 (p.Gln2039*). It is expected to result in an absent or disrupted protein product in a gene where loss-of-function is a well-established mechanism of disease (PVS1). The variant is absent in a large population cohort (gnomAD v2.1 - PM2). Including a patient in the laboratory database, there are at least four cases diagnosed with polycystic kidney disease with this variant (PMID: 11012875, 22508176, 30333007 - PS4_Supporting). Based on the classification scheme RMH ACMG Guidelines v1.1.1, this variant is classified as PATHOGENIC. Following criteria are met: PVS1, PM2, PS4_Supporting.

Ambry Genetics
Classification: Pathogenic for Inborn genetic diseases. Last evaluated: 2021-11-18. Review status: criteria provided, single submitter. Criteria: Ambry Variant Classification Scheme 2023. Collection method: clinical testing. Allele origin: germline.
Comment: The c.6115C>T (p.Q2039*) alteration, located in exon 15 (coding exon 15) of the PKD1 gene, consists of a C to T substitution at nucleotide position 6115. This changes the amino acid from a glutamine (Q) to a stop codon at amino acid position 2039. This alteration is expected to result in loss of function by premature protein truncation or nonsense-mediated mRNA decay. This variant was not reported in population-based cohorts in the Genome Aggregation Database (gnomAD). This variant has been reported in multiple patients with autosomal dominant polycystic kidney disease (Phakdeekitcharoen, 2000; Audr&eacute;zet, 2012; Hwang, 2016; He, 2018; Kim, 2019). Based on the available evidence, this alteration is classified as pathogenic.

Fulgent Genetics
Classification: Pathogenic for Polycystic kidney disease, adult type. Last evaluated: 2021-10-20. Review status: criteria provided, single submitter. Criteria: ACMG Guidelines, 2015. Collection method: clinical testing. Allele origin: unknown.

Juno Genomics, Hangzhou Juno Genomics, Inc
Classification: Pathogenic for Polycystic kidney disease, adult type. Review status: criteria provided, single submitter. Criteria: ACMG Guidelines, 2015. Collection method: clinical testing. Allele origin: germline. Affected: yes.
Comment: Absent from controls (or at extremely low frequency if recessive) in Genome Aggregation Database.;Null variant in a gene where loss of function (LOF) is a known mechanism of disease.;The prevalence of the variant in affected individuals is significantly increased compared to the prevalence in controls.;Patient's phenotype or family history is highly specific for a disease with a single genetic etiology.

Literature cited by the submitters: PubMed 11012875 (cited by 3 submitters); PubMed 22508176 (cited by Molecular Genetics, Royal Melbourne Hospital and Ambry Genetics); PubMed 30333007 (cited by Molecular Genetics, Royal Melbourne Hospital and Ambry Genetics); PubMed 1740684 (cited by Ambry Genetics); PubMed 26453610 (cited by Ambry Genetics); PubMed 31740684 (cited by Ambry Genetics).